The following is an entry in ClinVar:

NM_032043.3(BRIP1):c.2585A>T (p.Lys862Ile)

Gene: BRIP1 (BRCA1 interacting helicase 1; minus strand). Cytogenetic location: 17q23.2.
Variant type: single nucleotide variant.
Coding change: c.2585A>T on transcript NM_032043.3 (MANE Select); coding-DNA position 2585, A replaced by T.
Protein change: p.Lys862Ile; replaces lysine 862 with isoleucine.
Molecular consequence: missense variant.
Genome position (GRCh38, 1-based): chr17:61,686,156, T>A on the plus strand (A>T on the coding strand, the complement: BRIP1 is on the minus strand). VCF-style: chr17-61686156-T-A. GRCh37 (hg19) VCF-style: chr17-59763517-T-A.
Other names: short protein forms K862I.
Identifiers: ClinVar variation 1320790 (VCV001320790.2), dbSNP rs2061362048, ClinGen allele CA400482001.

ClinVar aggregate classification (germline): Uncertain significance (1 of 4 stars; one submission).

Allele frequency attached by ClinVar (database versions not stated): TOPMed below 0.00001.

Submission:

GeneDx
Classification: Uncertain significance. Last evaluated: 2020-03-13. Review status: criteria provided, single submitter. Criteria: GeneDx Variant Classification Process June 2021. Collection method: clinical testing. Allele origin: germline. Affected: yes.
Comment: Not observed in large population cohorts (Lek 2016); In silico analysis supports that this missense variant has a deleterious effect on protein structure/function; Has not been previously published as pathogenic or benign to our knowledge